The following is an entry in ClinVar:

NM_032861.4(SERAC1):c.739G>C (p.Gly247Arg)

Gene: SERAC1 (serine active site containing 1; minus strand). Cytogenetic location: 6q25.3.
Variant type: single nucleotide variant.
Coding change: c.739G>C on transcript NM_032861.4 (MANE Select); coding-DNA position 739, G replaced by C.
Protein change: p.Gly247Arg; replaces glycine 247 with arginine.
Molecular consequence: missense variant.
Genome position (GRCh38, 1-based): chr6:158,130,486, C>G on the plus strand (G>C on the coding strand, the complement: SERAC1 is on the minus strand). VCF-style: chr6-158130486-C-G. GRCh37 (hg19) VCF-style: chr6-158551518-C-G.
Other names: short protein forms G247R.
Identifiers: ClinVar variation 3381268 (VCV003381268.1).

ClinVar aggregate classification (germline): Uncertain significance (1 of 4 stars; one submission).

gnomAD v4.1: 1 of 1,543,966 alleles (0.000065%); highest among the groups gnomAD compares: Non-Finnish European, 0.000088%; no homozygotes.

Submission:

GeneDx
Classification: Uncertain significance. Last evaluated: 2024-05-24. Review status: criteria provided, single submitter. Criteria: GeneDx Variant Classification Process June 2021. Collection method: clinical testing. Allele origin: germline. Affected: yes.
Comment: Not observed at significant frequency in large population cohorts (gnomAD); In silico analysis indicates that this missense variant does not alter protein structure/function; Has not been previously published as pathogenic or benign to our knowledge